The following is an entry in ClinVar:

ClinVar aggregate classification (germline): Uncertain significance (1 of 4 stars; one submission).

Conditions:
PHGDH deficiency. Identifiers: Orphanet 79351, MedGen C1866174, MONDO:0011152, OMIM 601815.

Allele frequency attached by ClinVar (database versions not stated): gnomAD exomes below 0.00001; gnomAD 0.00001; TOPMed 0.00002.
gnomAD v4.1: 4 of 1,612,634 alleles (0.00025%); highest among the groups gnomAD compares: Admixed American, 0.0017%; no homozygotes.

Submission:

Labcorp Genetics (formerly Invitae), Labcorp
Classification: Uncertain significance for PHGDH deficiency. Last evaluated: 2021-08-14. Review status: criteria provided, single submitter. Criteria: Invitae Variant Classification Sherloc (09022015). Collection method: clinical testing. Allele origin: germline.
Comment: This sequence change replaces threonine with alanine at codon 263 of the PHGDH protein (p.Thr263Ala). The threonine residue is weakly conserved and there is a small physicochemical difference between threonine and alanine. This variant is not present in population databases (ExAC no frequency). This variant has not been reported in the literature in individuals affected with PHGDH-related conditions. Algorithms developed to predict the effect of missense changes on protein structure and function (SIFT, PolyPhen-2, Align-GVGD) all suggest that this variant is likely to be tolerated. In summary, the available evidence is currently insufficient to determine the role of this variant in disease. Therefore, it has been classified as a Variant of Uncertain Significance.

NM_006623.4(PHGDH):c.787A>G (p.Thr263Ala)

Gene: PHGDH (phosphoglycerate dehydrogenase; plus strand). Cytogenetic location: 1p12.
Variant type: single nucleotide variant.
Coding change: c.787A>G on transcript NM_006623.4 (MANE Select); coding-DNA position 787, A replaced by G.
Protein change: p.Thr263Ala; replaces threonine 263 with alanine.
Molecular consequence: missense variant.
Genome position (GRCh38, 1-based): chr1:119,735,438, A>G. VCF-style: chr1-119735438-A-G. GRCh37 (hg19) VCF-style: chr1-120278061-A-G.
Other names: short protein forms T263A.
Identifiers: ClinVar variation 1439884 (VCV001439884.5), dbSNP rs1651889178, ClinGen allele CA341850488.